The following is an entry in ClinVar:

NM_002890.3(RASA1):c.2603C>T (p.Pro868Leu)

Genes: CCNH (cyclin H; minus strand), RASA1 (RAS p21 protein activator 1; plus strand). Cytogenetic location: 5q14.3.
Variant type: single nucleotide variant.
Coding change: c.2603C>T on transcript NM_002890.3 (MANE Select); coding-DNA position 2603, C replaced by T.
Protein change: p.Pro868Leu; replaces proline 868 with leucine.
Molecular consequence: missense variant. On other transcripts: intron variant (1).
Genome position (GRCh38, 1-based): chr5:87,379,850, C>T. VCF-style: chr5-87379850-C-T. GRCh37 (hg19) VCF-style: chr5-86675667-C-T.
Other names: p.Pro868Leu; c.2072C>T, p.Pro691Leu (NM_022650.3); c.933+15194G>A (NM_001364075.2); short protein forms P868L, P691L.
Identifiers: ClinVar variation 354525 (VCV000354525.14), dbSNP rs138785106, ClinGen allele CA3336027.
Genomic context (GRCh38, chr5:87,379,850, plus strand): 5'-TATTGAACATACTTTCAGAGCTTGTGGAGAAAATATTCATGGCTTCAGAAATACTTCCAC[C>T]GTAAGTGGTGAAATTTTCATTTGACAAGAAATTGTGTATCTATGTCTTCAGAAATTTCTA-3'
Protein context (NP_002881.1, residues 858-878): KIFMASEILP[Pro868Leu]TLRYIYGCLQ

ClinVar aggregate classification (germline): Conflicting classifications of pathogenicity. Review status: criteria provided, conflicting classifications (1 of 4 stars). 4 submissions from 4 submitters: Uncertain significance (3); Likely benign (1). Last evaluated 2026-04-22.

Conditions:
Capillary malformation-arteriovenous malformation syndrome. Also called: Capillary malformation-arteriovenous malformation. Identifiers: Orphanet 137667, MedGen C1842180, MONDO:0012016.
RASA1-related disorder. Also called: RASA1-related condition.

Allele frequency attached by ClinVar (database versions not stated): gnomAD exomes 0.00009 and 0.00008; 1000 Genomes Project 30x 0.00031; 1000 Genomes Project 0.00020; ExAC 0.00007; gnomAD 0.00009; TOPMed 0.00011.
gnomAD v4.1: 146 of 1,611,544 alleles (0.0091%); highest among the groups gnomAD compares: African/African-American, 0.015%; no homozygotes.

Submissions (4):

PreventionGenetics, part of Exact Sciences
Classification: Uncertain significance for RASA1-related condition. Last evaluated: 2026-04-22. Review status: criteria provided, single submitter. Criteria: ACMG Guidelines, 2015. Collection method: clinical testing. Allele origin: germline.
Comment: The RASA1 c.2603C>T variant is predicted to result in the amino acid substitution p.Pro868Leu. To our knowledge, this variant has not been reported in the literature. This variant is reported in 0.012% of alleles in individuals of European (Non-Finnish) descent in gnomAD. At this time, the clinical significance of this variant is uncertain due to the absence of conclusive functional and genetic evidence.

Labcorp Genetics (formerly Invitae), Labcorp
Classification: Uncertain significance for Capillary malformation-arteriovenous malformation syndrome. Last evaluated: 2025-12-21. Review status: criteria provided, single submitter. Criteria: Invitae Variant Classification Sherloc (09022015). Collection method: clinical testing. Allele origin: germline.
Comment: This sequence change replaces proline, which is neutral and non-polar, with leucine, which is neutral and non-polar, at codon 868 of the RASA1 protein (p.Pro868Leu). This variant is present in population databases (rs138785106, gnomAD 0.01%). This variant has not been reported in the literature in individuals affected with RASA1-related conditions. ClinVar contains an entry for this variant (Variation ID: 354525). An algorithm developed to predict the effect of missense changes on protein structure and function (PolyPhen-2) suggests that this variant is likely to be disruptive. In summary, the available evidence is currently insufficient to determine the role of this variant in disease. Therefore, it has been classified as a Variant of Uncertain Significance.

Mayo Clinic Laboratories, Mayo Clinic
Classification: Likely benign. Last evaluated: 2025-08-20. Review status: criteria provided, single submitter. Criteria: ACMG Guidelines, 2015. Collection method: clinical testing. Allele origin: germline. Observed: 1 variant allele.
Comment: BP4, BP5_strong, PP2

GeneDx
Classification: Uncertain significance. Last evaluated: 2018-01-12. Review status: criteria provided, single submitter. Criteria: GeneDx Variant Classification (06012015). Collection method: clinical testing. Allele origin: germline. Affected: yes.
Comment: A variant of uncertain significance has been identified in the RASA1 gene. Although the P868L variant has not been published as pathogenic or been reported as benign to our knowledge, it has been classified as a variant of uncertain significance by another clinical laboratory in ClinVar (SCV000552994.1; Landrum et al., 2016). This variant is observed in 15/125,660 alleles (0.012%) from individuals of European (Non-Finnish) ancestry in large population cohorts (Lek et al., 2016). This nucleotide substitution (c.2603 C>T) occurs at the last nucleotide of exon 19, a position at which nucleotide substitutions commonly result in abnormal gene splicing (Buratti et al., 2007). Nevertheless, several in silico splice predictions models predict that the c.2603 C>T substitution does not cause abnormal gene splicing. Additionally, although the P868L variant is a semi-conservative amino acid substitution, which may impact secondary protein structure as these residues differ in some properties, in-silico analyses, including protein predictors and evolutionary conservation, support that this variant does not alter protein structure/function.